The following is an entry in ClinVar:

NM_001690.4(ATP6V1A):c.761G>A (p.Cys254Tyr)

Gene: ATP6V1A (ATPase H+ transporting V1 subunit A; plus strand). Cytogenetic location: 3q13.31.
Variant type: single nucleotide variant.
Coding change: c.761G>A on transcript NM_001690.4 (MANE Select); coding-DNA position 761, G replaced by A.
Protein change: p.Cys254Tyr; replaces cysteine 254 with tyrosine.
Molecular consequence: missense variant.
Genome position (GRCh38, 1-based): chr3:113,788,757, G>A. VCF-style: chr3-113788757-G-A. GRCh37 (hg19) VCF-style: chr3-113507604-G-A.
Other names: short protein forms C254Y.
Identifiers: ClinVar variation 2130329 (VCV002130329.4), dbSNP rs2549721513, ClinGen allele CA354013616.

ClinVar aggregate classification (germline): Uncertain significance (1 of 4 stars; one submission).

Submission:

Labcorp Genetics (formerly Invitae), Labcorp
Classification: Uncertain significance. Last evaluated: 2022-05-27. Review status: criteria provided, single submitter. Criteria: Invitae Variant Classification Sherloc (09022015). Collection method: clinical testing. Allele origin: germline.
Comment: This sequence change replaces cysteine, which is neutral and slightly polar, with tyrosine, which is neutral and polar, at codon 254 of the ATP6V1A protein (p.Cys254Tyr). This variant is not present in population databases (gnomAD no frequency). This variant has not been reported in the literature in individuals affected with ATP6V1A-related conditions. Algorithms developed to predict the effect of missense changes on protein structure and function are either unavailable or do not agree on the potential impact of this missense change (SIFT: "Deleterious"; PolyPhen-2: "Possibly Damaging"; Align-GVGD: "Class C0"). In summary, the available evidence is currently insufficient to determine the role of this variant in disease. Therefore, it has been classified as a Variant of Uncertain Significance.